The following is an entry in ClinVar:

ClinVar aggregate classification (germline): Uncertain significance. Review status: criteria provided, multiple submitters, no conflicts (2 of 4 stars). 2 submissions from 2 submitters: Uncertain significance (2). Last evaluated 2024-07-31.

Conditions:
Schuurs-Hoeijmakers syndrome. Also called: PACS1-Related Neurodevelopmental Disorder. Identifiers: Orphanet 329224, MedGen C3554343, MONDO:0014006, OMIM 615009.

Allele frequency attached by ClinVar (database versions not stated): TOPMed below 0.00001.

Submissions (2):

Labcorp Genetics (formerly Invitae), Labcorp
Classification: Uncertain significance for Schuurs-Hoeijmakers syndrome. Last evaluated: 2024-07-31. Review status: criteria provided, single submitter. Criteria: Invitae Variant Classification Sherloc (09022015). Collection method: clinical testing. Allele origin: germline.
Comment: This sequence change replaces isoleucine, which is neutral and non-polar, with valine, which is neutral and non-polar, at codon 324 of the PACS1 protein (p.Ile324Val). This variant is not present in population databases (gnomAD no frequency). This variant has not been reported in the literature in individuals affected with PACS1-related conditions. ClinVar contains an entry for this variant (Variation ID: 2100247). Advanced modeling of protein sequence and biophysical properties (such as structural, functional, and spatial information, amino acid conservation, physicochemical variation, residue mobility, and thermodynamic stability) performed at Invitae indicates that this missense variant is not expected to disrupt PACS1 protein function with a negative predictive value of 80%. In summary, the available evidence is currently insufficient to determine the role of this variant in disease. Therefore, it has been classified as a Variant of Uncertain Significance.

Revvity Omics, Revvity
Classification: Uncertain significance for Schuurs-Hoeijmakers syndrome. Last evaluated: 2021-01-28. Review status: criteria provided, single submitter. Criteria: ACMG Guidelines, 2015. Collection method: clinical testing. Allele origin: germline.

NM_018026.4(PACS1):c.970A>G (p.Ile324Val)

Gene: PACS1 (phosphofurin acidic cluster sorting protein 1; plus strand). Cytogenetic location: 11q13.2.
Variant type: single nucleotide variant.
Coding change: c.970A>G on transcript NM_018026.4 (MANE Select); coding-DNA position 970, A replaced by G.
Protein change: p.Ile324Val; replaces isoleucine 324 with valine.
Molecular consequence: missense variant.
Genome position (GRCh38, 1-based): chr11:66,216,767, A>G. VCF-style: chr11-66216767-A-G. GRCh37 (hg19) VCF-style: chr11-65984238-A-G.
Other names: c.970A>G (NM_018026.3); short protein forms I324V.
Identifiers: ClinVar variation 2100247 (VCV002100247.7), dbSNP rs1161982790, ClinGen allele CA381351749.